The following is an entry in ClinVar:

ClinVar aggregate classification (germline): Likely pathogenic (1 of 4 stars; one submission).

Submission:

Dasa
Classification: Likely pathogenic. Last evaluated: 2024-12-03. Review status: criteria provided, single submitter. Criteria: DASA Assertion Criteria. Collection method: clinical testing. Allele origin: germline.
Comment: NM_000435.3(NOTCH3):c.1363T>G (p.Cys455Gly) is a missense variant that results in the substitution of cysteine with glycine. The affected residue or protein region has prior evidence supporting clinical relevance. This variant is absent from population databases. Computational evidence supports a deleterious effect. Based on the currently available evidence, this variant is classified as likely pathogenic.

NM_000435.3(NOTCH3):c.1363T>G (p.Cys455Gly)

Gene: NOTCH3 (notch receptor 3; minus strand). Cytogenetic location: 19p13.12.
Variant type: single nucleotide variant.
Coding change: c.1363T>G on transcript NM_000435.3 (MANE Select); coding-DNA position 1363, T replaced by G.
Protein change: p.Cys455Gly; replaces cysteine 455 with glycine.
Molecular consequence: missense variant.
Genome position (GRCh38, 1-based): chr19:15,189,004, A>C on the plus strand (T>G on the coding strand, the complement: NOTCH3 is on the minus strand). VCF-style: chr19-15189004-A-C. GRCh37 (hg19) VCF-style: chr19-15299815-A-C.
Other names: short protein forms C455G.
Identifiers: ClinVar variation 4884203 (VCV004884203.2).